The following is an entry in ClinVar:

ClinVar aggregate classification (germline): Uncertain significance (1 of 4 stars; one submission).

Conditions:
Usher syndrome type 3B. Also called: USHER SYNDROME, TYPE IIIB. Identifiers: MedGen C3281066, MONDO:0013788, OMIM 614504.

Allele frequency attached by ClinVar (database versions not stated): gnomAD exomes below 0.00001; ExAC 0.00002; ESP Exome Variant Server 0.00008.

Submission:

Labcorp Genetics (formerly Invitae), Labcorp
Classification: Uncertain significance for Usher syndrome type 3B. Last evaluated: 2024-01-22. Review status: criteria provided, single submitter. Criteria: Invitae Variant Classification Sherloc (09022015). Collection method: clinical testing. Allele origin: germline.
Comment: This sequence change creates a premature translational stop signal (p.Arg214*) in the HARS gene. It is expected to result in an absent or disrupted protein product. However, the current clinical and genetic evidence is not sufficient to establish whether loss-of-function variants in HARS cause disease. This variant is present in population databases (rs377006157, gnomAD 0.006%). This variant has not been reported in the literature in individuals affected with HARS-related conditions. ClinVar contains an entry for this variant (Variation ID: 1941932). In summary, the available evidence is currently insufficient to determine the role of this variant in disease. Therefore, it has been classified as a Variant of Uncertain Significance.

NM_002109.6(HARS1):c.640C>T (p.Arg214Ter)

Gene: HARS1 (histidyl-tRNA synthetase 1; minus strand). Cytogenetic location: 5q31.3.
Variant type: single nucleotide variant.
Coding change: c.640C>T on transcript NM_002109.6 (MANE Select); coding-DNA position 640, C replaced by T.
Protein change: p.Arg214Ter; replaces arginine 214 with a stop codon.
Molecular consequence: nonsense.
Genome position (GRCh38, 1-based): chr5:140,677,744, G>A on the plus strand (C>T on the coding strand, the complement: HARS1 is on the minus strand). VCF-style: chr5-140677744-G-A. GRCh37 (hg19) VCF-style: chr5-140057329-G-A.
Other names: c.520C>T, p.Arg174Ter (NM_001258040.3); c.580C>T, p.Arg194Ter (NM_001258041.3); c.460C>T, p.Arg154Ter (NM_001258042.3); c.418C>T, p.Arg140Ter (NM_001289092.2); c.298C>T, p.Arg100Ter (NM_001289093.2); c.553C>T, p.Arg185Ter (NM_001289094.2); short protein forms R185*, R194*, R100*, R140*, R214*, R154*, R174*.
Identifiers: ClinVar variation 1941932 (VCV001941932.5), dbSNP rs377006157, ClinGen allele CA3444030.